The following is an entry in ClinVar:

ClinVar aggregate classification (germline): Uncertain significance. Review status: criteria provided, multiple submitters, no conflicts (2 of 4 stars). 2 submissions from 2 submitters: Uncertain significance (2). Last evaluated 2025-07-22.

Conditions:
Neuropathy, hereditary sensory and autonomic, type 2A (HSAN2A). Also called: ACROOSTEOLYSIS, GIACCAI TYPE; ACROOSTEOLYSIS, NEUROGENIC; MORVAN DISEASE; NEUROPATHY, CONGENITAL SENSORY; NEUROPATHY, HEREDITARY SENSORY RADICULAR, AUTOSOMAL RECESSIVE; NEUROPATHY, HEREDITARY SENSORY, TYPE IIA. Identifiers: Orphanet 970, MedGen C2752089, MONDO:0024309, OMIM 201300.
Generalized epilepsy with febrile seizures plus, type 7 (GEFSP7). Also called: GEFS+, TYPE 7. Identifiers: Orphanet 36387, MedGen C2751778, MONDO:0013470, OMIM 613863.

Allele frequency attached by ClinVar (database versions not stated): gnomAD exomes below 0.00001; ExAC 0.00001.
gnomAD v4.1: 2 of 1,613,478 alleles (0.00012%); highest among the groups gnomAD compares: Non-Finnish European, 0.00017%; no homozygotes.

Submissions (2):

GeneDx
Classification: Uncertain significance. Last evaluated: 2025-07-22. Review status: criteria provided, single submitter. Criteria: GeneDx Variant Classification Process June 2021. Collection method: clinical testing. Allele origin: germline. Affected: yes.
Comment: Not observed at significant frequency in large population cohorts (gnomAD); In silico analysis suggests that this missense variant does not alter protein structure/function; Has not been previously published as pathogenic or benign to our knowledge

Labcorp Genetics (formerly Invitae), Labcorp
Classification: Uncertain significance for Neuropathy, hereditary sensory and autonomic, type 2A; Generalized epilepsy with febrile seizures plus, type 7. Last evaluated: 2023-05-31. Review status: criteria provided, single submitter. Criteria: Invitae Variant Classification Sherloc (09022015). Collection method: clinical testing. Allele origin: germline.
Comment: This variant is present in population databases (rs772281862, gnomAD 0.0009%). This sequence change replaces serine, which is neutral and polar, with threonine, which is neutral and polar, at codon 1053 of the SCN9A protein (p.Ser1053Thr). This variant has not been reported in the literature in individuals affected with SCN9A-related conditions. Advanced modeling of protein sequence and biophysical properties (such as structural, functional, and spatial information, amino acid conservation, physicochemical variation, residue mobility, and thermodynamic stability) performed at Invitae indicates that this missense variant is not expected to disrupt SCN9A protein function. In summary, the available evidence is currently insufficient to determine the role of this variant in disease. Therefore, it has been classified as a Variant of Uncertain Significance.

NM_001365536.1(SCN9A):c.3191G>C (p.Ser1064Thr)

Genes: SCN9A (sodium voltage-gated channel alpha subunit 9; minus strand), SCN1A-AS1 (SCN1A and SCN9A antisense RNA 1; plus strand). Cytogenetic location: 2q24.3.
Variant type: single nucleotide variant.
Coding change: c.3191G>C on transcript NM_001365536.1 (MANE Select); coding-DNA position 3191, G replaced by C.
Protein change: p.Ser1064Thr; replaces serine 1064 with threonine.
Molecular consequence: missense variant.
Genome position (GRCh38, 1-based): chr2:166,272,559, C>G on the plus strand (G>C on the coding strand, the complement: SCN9A is on the minus strand). VCF-style: chr2-166272559-C-G. GRCh37 (hg19) VCF-style: chr2-167129069-C-G.
Other names: c.3158G>C, p.Ser1053Thr (NM_002977.4); short protein forms S1064T, S1053T.
Identifiers: ClinVar variation 2939095 (VCV002939095.4), dbSNP rs772281862, ClinGen allele CA1944126.